The following is an entry in ClinVar:

ClinVar aggregate classification (germline): Conflicting classifications of pathogenicity. Review status: criteria provided, conflicting classifications (1 of 4 stars). 7 submissions from 7 submitters: Uncertain significance (5); Likely benign (1). 1 of the submissions does not count toward it. Last evaluated 2025-12-21.

Conditions:
Cardiac arrhythmia. Also called: Arrhythmia; Cardiac rhythm disease. Identifiers: MedGen C0003811, MONDO:0007263, HP:0011675.
Cardiovascular phenotype. Identifiers: MedGen CN230736.
Long QT syndrome 2 (LQT2). Identifiers: Orphanet 101016, Orphanet 768, MedGen C3150943, MONDO:0013367, OMIM 613688.
Short QT syndrome type 1. Identifiers: Orphanet 51083, MedGen C1865020, MONDO:0012312, OMIM 609620.
Long QT syndrome (LQTS). Identifiers: MedGen C0023976, MeSH D008133, MONDO:0002442. Disease mechanism: loss of function. Inheritance: Various modes of inheritance.

Allele frequency attached by ClinVar (database versions not stated): gnomAD exomes 0.00001 and 0.00003; gnomAD 0.00002 and 0.00001; ESP Exome Variant Server 0.00009; ExAC 0.00008; TOPMed 0.00004.
gnomAD v4.1: 16 of 1,542,972 alleles (0.001%); highest among the groups gnomAD compares: Middle Eastern, 0.018%; no homozygotes.

Submissions (7):

Ambry Genetics
Classification: Likely benign for Cardiovascular phenotype. Last evaluated: 2025-12-21. Review status: criteria provided, single submitter. Criteria: Ambry Variant Classification Scheme 2023. Collection method: clinical testing. Allele origin: germline.

Labcorp Genetics (formerly Invitae), Labcorp
Classification: Uncertain significance for Long QT syndrome. Last evaluated: 2025-08-25. Review status: criteria provided, single submitter. Criteria: Invitae Variant Classification Sherloc (09022015). Collection method: clinical testing. Allele origin: germline.
Comment: This sequence change replaces arginine, which is basic and polar, with cysteine, which is neutral and slightly polar, at codon 1047 of the KCNH2 protein (p.Arg1047Cys). The frequency data for this variant in the population databases is considered unreliable, as metrics indicate poor data quality at this position in the gnomAD database. This missense change has been observed in individual(s) with long QT syndrome (LQTS) (PMID: 23158531). ClinVar contains an entry for this variant (Variation ID: 161255). An algorithm developed to predict the effect of missense changes on protein structure and function (PolyPhen-2) suggests that this variant is likely to be disruptive. In summary, the available evidence is currently insufficient to determine the role of this variant in disease. Therefore, it has been classified as a Variant of Uncertain Significance.

Color Diagnostics, LLC DBA Color Health
Classification: Uncertain significance for Cardiac arrhythmia. Last evaluated: 2025-06-12. Review status: criteria provided, single submitter. Criteria: ACMG Guidelines, 2015. Collection method: clinical testing. Allele origin: germline.
Comment: This missense variant replaces arginine with cysteine at codon 1047 of the KCNH2 protein. Computational prediction is inconclusive regarding the impact of this variant on protein structure and function. To our knowledge, functional studies have not been reported for this variant. This variant has been reported in a few individuals affected with long QT syndrome (PMID: 23158531, 32893267) and in an individual with epilepsy (PMID: 31696929). This variant has been identified in 4/142116 chromosomes in the general population by the Genome Aggregation Database (gnomAD). The available evidence is insufficient to determine the role of this variant in disease conclusively. Therefore, this variant is classified as a Variant of Uncertain Significance.

All of Us Research Program, National Institutes of Health
Classification: Uncertain significance for Long QT syndrome. Last evaluated: 2023-03-28. Review status: criteria provided, single submitter. Criteria: ACMG Guidelines, 2015. Collection method: clinical testing. Allele origin: germline. Inheritance: Autosomal dominant inheritance. Observed: 1 variant allele, 1 heterozygote.
Comment: This study involves interpretation of variants in research participants for the purpose of population health screening. Participant phenotype was not available at the time of variant classification. Additional details can be found in publication PMID: 35346344, PMCID: PMC8962531

GeneDx
Classification: Uncertain significance. Last evaluated: 2022-04-14. Review status: criteria provided, single submitter. Criteria: GeneDx Variant Classification Process June 2021. Collection method: clinical testing. Allele origin: germline. Affected: yes.
Comment: Not observed at significant frequency in large population cohorts (gnomAD); In silico analysis supports that this missense variant has a deleterious effect on protein structure/function; Reported in ClinVar as a variant of uncertain significance (ClinVar Variant ID# 161255; ClinVar); This variant is associated with the following publications: (PMID: 23158531, 25637381)

Center for Genomics, Ann and Robert H. Lurie Children's Hospital of Chicago
Classification: Uncertain significance for Short QT syndrome type 1; Long QT syndrome 2. Review status: criteria provided, single submitter. Criteria: ACMG Guidelines, 2015. Collection method: clinical testing. Allele origin: germline.
Comment: KCNH2 NM_000238.3 exon 13 p.Arg1047Cys (c.3139C>T): This variant has been reported in the literature in 1 individual with a clinical suspicion of Long QT syndrome (Crotti 2015 PMID:23158531). This variant is not present in large control databases. This variant is present in ClinVar (Variation ID:161255). Evolutionary conservation and computational predictive tools for this variant are unclear. In summary, data on this variant is insufficient for disease classification. Therefore, the clinical significance of this variant is uncertain.

CSER _CC_NCGL, University of Washington
Classification: Uncertain significance for Long QT syndrome. Last evaluated: 2014-06-01. Review status: no assertion criteria provided. Collection method: research. Allele origin: germline. Inheritance: Autosomal dominant inheritance. Study: ESP 6500 variant annotation. Not counted in ClinVar's aggregate classification.
Comment: Variants classified for the Actionable exomic incidental findings in 6503 participants: challenges of variant classification manuscript

Literature cited by the submitters: PubMed 23158531 (cited by Labcorp Genetics (formerly Invitae), Labcorp and Color Diagnostics, LLC DBA Color Health); PubMed 31696929 (cited by Color Diagnostics, LLC DBA Color Health); PubMed 32893267 (cited by Color Diagnostics, LLC DBA Color Health).

NM_000238.4(KCNH2):c.3139C>T (p.Arg1047Cys)

Gene: KCNH2 (potassium voltage-gated channel subfamily H member 2; minus strand). Cytogenetic location: 7q36.1.
Variant type: single nucleotide variant.
Coding change: c.3139C>T on transcript NM_000238.4 (MANE Select); coding-DNA position 3139, C replaced by T.
Protein change: p.Arg1047Cys; replaces arginine 1047 with cysteine.
Molecular consequence: missense variant. On other transcripts: non-coding transcript variant (2).
Genome position (GRCh38, 1-based): chr7:150,947,341, G>A on the plus strand (C>T on the coding strand, the complement: KCNH2 is on the minus strand). VCF-style: chr7-150947341-G-A. GRCh37 (hg19) VCF-style: chr7-150644429-G-A.
Other names: p.R1047C:CGC>TGC; c.2851C>T, p.Arg951Cys (NM_001406753.1); c.2119C>T, p.Arg707Cys (NM_172057.3); short protein forms R1047C, R707C, R951C.
Identifiers: ClinVar variation 161255 (VCV000161255.19), dbSNP rs377095107, ClinGen allele CA008033.